The following is an entry in ClinVar:

NM_002336.3(LRP6):c.3044A>G (p.Gln1015Arg)

Gene: LRP6 (LDL receptor related protein 6; minus strand). Cytogenetic location: 12p13.2.
Variant type: single nucleotide variant.
Coding change: c.3044A>G on transcript NM_002336.3 (MANE Select); coding-DNA position 3044, A replaced by G.
Protein change: p.Gln1015Arg; replaces glutamine 1015 with arginine.
Molecular consequence: missense variant. On other transcripts: non-coding transcript variant (1).
Genome position (GRCh38, 1-based): chr12:12,149,104, T>C on the plus strand (A>G on the coding strand, the complement: LRP6 is on the minus strand). VCF-style: chr12-12149104-T-C. GRCh37 (hg19) VCF-style: chr12-12302038-T-C.
Other names: c.3044A>G, p.Gln1015Arg (NM_001414244.1, NM_001414245.1, NM_001414246.1 and 4 more transcripts); c.2846A>G, p.Gln949Arg (NM_001414247.1); c.2591A>G, p.Gln864Arg (NM_001414252.1, NM_001414253.1, NM_001414254.1); c.2537A>G, p.Gln846Arg (NM_001414255.1); short protein forms Q1015R, Q846R, Q864R, Q949R.
Identifiers: ClinVar variation 4741687 (VCV004741687.1).

ClinVar aggregate classification (germline): Uncertain significance (1 of 4 stars; one submission).

gnomAD v4.1: 1 of 1,614,078 alleles (0.000062%); highest among the groups gnomAD compares: Non-Finnish European, 0.000085%; no homozygotes.

Submission:

Labcorp Genetics (formerly Invitae), Labcorp
Classification: Uncertain significance. Last evaluated: 2025-11-23. Review status: criteria provided, single submitter. Criteria: Invitae Variant Classification Sherloc (09022015). Collection method: clinical testing. Allele origin: germline.
Comment: This sequence change replaces glutamine, which is neutral and polar, with arginine, which is basic and polar, at codon 1015 of the LRP6 protein (p.Gln1015Arg). This variant is not present in population databases (gnomAD no frequency). This variant has not been reported in the literature in individuals affected with LRP6-related conditions. Invitae Evidence Modeling of protein sequence and biophysical properties (such as structural, functional, and spatial information, amino acid conservation, physicochemical variation, residue mobility, and thermodynamic stability) indicates that this missense variant is not expected to disrupt LRP6 protein function with a negative predictive value of 80%. In summary, the available evidence is currently insufficient to determine the role of this variant in disease. Therefore, it has been classified as a Variant of Uncertain Significance.